The following is an entry in ClinVar:

NM_001848.3(COL6A1):c.804+140del

Gene: COL6A1 (collagen type VI alpha 1 chain; plus strand). Cytogenetic location: 21q22.3.
Variant type: Deletion.
Coding change: c.804+140del on transcript NM_001848.3 (MANE Select); 140 bases into the intron after coding-DNA position 804, one base deleted (G; older notation c.804+140delG).
Molecular consequence: intron variant.
Genome position (GRCh38, 1-based): chr21:45,987,794, G deleted; the last of 5 consecutive G bases (chr21:45,987,790-45,987,794); deleting any one gives the same sequence. VCF-style (leftmost placement, unchanged base first): chr21-45987789-CG-C. GRCh37 (hg19) VCF-style: chr21-47407703-CG-C.
Identifiers: ClinVar variation 679176 (VCV000679176.1), dbSNP rs66929103, ClinGen allele CA321960282.

ClinVar aggregate classification (germline): Benign (1 of 4 stars; one submission).

Submission:

GeneDx
Classification: Benign. Last evaluated: 2018-06-14. Review status: criteria provided, single submitter. Criteria: GeneDx Variant Classification (06012015). Collection method: clinical testing. Allele origin: germline. Affected: yes.
Comment: This variant is considered likely benign or benign based on one or more of the following criteria: it is a conservative change, it occurs at a poorly conserved position in the protein, it is predicted to be benign by multiple in silico algorithms, and/or has population frequency not consistent with disease.